The following is an entry in ClinVar:

NM_001378452.1(ITPR1):c.4624G>A (p.Val1542Met)

Gene: ITPR1 (inositol 1,4,5-trisphosphate receptor type 1; plus strand). Cytogenetic location: 3p26.1.
Variant type: single nucleotide variant.
Coding change: c.4624G>A on transcript NM_001378452.1 (MANE Select); coding-DNA position 4624, G replaced by A.
Protein change: p.Val1542Met; replaces valine 1542 with methionine.
Molecular consequence: missense variant.
Genome position (GRCh38, 1-based): chr3:4,702,917, G>A. VCF-style: chr3-4702917-G-A. GRCh37 (hg19) VCF-style: chr3-4744601-G-A.
Other names: c.4597G>A, p.Val1533Met (NM_001099952.4); c.4579G>A, p.Val1527Met (NM_001168272.2); c.4552G>A, p.Val1518Met (NM_002222.7); short protein forms V1542M, V1527M, V1518M, V1533M.
Identifiers: ClinVar variation 2991978 (VCV002991978.3), dbSNP rs2469854723, ClinGen allele CA351634147.

ClinVar aggregate classification (germline): Uncertain significance (1 of 4 stars; one submission).

Allele frequency attached by ClinVar (database versions not stated): gnomAD exomes below 0.00001.
gnomAD v4.1: 4 of 1,613,980 alleles (0.00025%); highest among the groups gnomAD compares: Non-Finnish European, 0.00034%; no homozygotes.

Submission:

Labcorp Genetics (formerly Invitae), Labcorp
Classification: Uncertain significance. Last evaluated: 2023-10-13. Review status: criteria provided, single submitter. Criteria: Invitae Variant Classification Sherloc (09022015). Collection method: clinical testing. Allele origin: germline.
Comment: This sequence change replaces valine, which is neutral and non-polar, with methionine, which is neutral and non-polar, at codon 1518 of the ITPR1 protein (p.Val1518Met). This variant is not present in population databases (gnomAD no frequency). This variant has not been reported in the literature in individuals affected with ITPR1-related conditions. Advanced modeling of protein sequence and biophysical properties (such as structural, functional, and spatial information, amino acid conservation, physicochemical variation, residue mobility, and thermodynamic stability) has been performed at Invitae for this missense variant, however the output from this modeling did not meet the statistical confidence thresholds required to predict the impact of this variant on ITPR1 protein function. In summary, the available evidence is currently insufficient to determine the role of this variant in disease. Therefore, it has been classified as a Variant of Uncertain Significance.